The following is an entry in ClinVar:

NM_001184.4(ATR):c.1326A>G (p.Lys442=)

Gene: ATR (ATR checkpoint kinase; minus strand). Cytogenetic location: 3q23.
Variant type: single nucleotide variant.
Coding change: c.1326A>G on transcript NM_001184.4 (MANE Select); coding-DNA position 1326, A replaced by G.
Protein change: p.Lys442=; no amino-acid change (lysine 442 retained).
Molecular consequence: synonymous variant.
Genome position (GRCh38, 1-based): chr3:142,561,266, T>C on the plus strand (A>G on the coding strand, the complement: ATR is on the minus strand). VCF-style: chr3-142561266-T-C. GRCh37 (hg19) VCF-style: chr3-142280108-T-C.
Other names: c.1326A>G, p.Lys442= (NM_001354579.2).
Identifiers: ClinVar variation 157962 (VCV000157962.38), dbSNP rs28897765, ClinGen allele CA171336.

ClinVar aggregate classification (germline): Benign. Review status: criteria provided, multiple submitters, no conflicts (2 of 4 stars). 11 submissions from 10 submitters: Benign (11). Last evaluated 2026-02-02.

Conditions:
Familial cutaneous telangiectasia and oropharyngeal predisposition cancer syndrome. Identifiers: Orphanet 313846, MedGen C3281203, MONDO:0013806, OMIM 614564.
Seckel syndrome 1 (SCKL1). Also called: MICROCEPHALIC PRIMORDIAL DWARFISM I. Identifiers: Orphanet 808, MedGen C4551474, MONDO:0008869, OMIM 210600.

Allele frequency attached by ClinVar (database versions not stated): 1000 Genomes Project 30x 0.01733; gnomAD 0.01766 and 0.01813; TOPMed 0.01811; gnomAD exomes 0.01823 and 0.01972; 1000 Genomes Project 0.01877; ExAC 0.01894; ESP Exome Variant Server 0.02084.
gnomAD v4.1: 31,742 of 1,613,898 alleles (2%); highest among the groups gnomAD compares: South Asian, 4.1%; 400 homozygotes.

Submissions (11):

Labcorp Genetics (formerly Invitae), Labcorp
Classification: Benign. Last evaluated: 2026-02-02. Review status: criteria provided, single submitter. Criteria: Invitae Variant Classification Sherloc (09022015). Collection method: clinical testing. Allele origin: germline.

CeGaT Center for Human Genetics Tuebingen
Classification: Benign. Last evaluated: 2025-06-01. Review status: criteria provided, single submitter. Criteria: CeGaT Center For Human Genetics Tuebingen Variant Classification Criteria Version 2. Collection method: clinical testing. Allele origin: germline. Affected: yes. Observed: 1 variant allele.
Comment: ATR: BP4, BP7, BS1, BS2

ARUP Laboratories, Molecular Genetics and Genomics, ARUP Laboratories
Classification: Benign. Last evaluated: 2023-11-02. Review status: criteria provided, single submitter. Criteria: ARUP Molecular Germline Variant Investigation Process 2024. Collection method: clinical testing. Allele origin: germline.

KCCC/NGS Laboratory, Kuwait Cancer Control Center
Classification: Benign for Familial cutaneous telangiectasia and oropharyngeal predisposition cancer syndrome. Last evaluated: 2023-07-07. Review status: criteria provided, single submitter. Criteria: ACMG Guidelines, 2015. Collection method: clinical testing. Allele origin: germline. Affected: yes.

Genome-Nilou Lab
Classification: Benign for Seckel syndrome 1. Last evaluated: 2023-02-08. Review status: criteria provided, single submitter. Criteria: ACMG Guidelines, 2015. Collection method: clinical testing. Allele origin: germline.

Genome-Nilou Lab
Classification: Benign for Familial cutaneous telangiectasia and oropharyngeal predisposition cancer syndrome. Last evaluated: 2023-02-08. Review status: criteria provided, single submitter. Criteria: ACMG Guidelines, 2015. Collection method: clinical testing. Allele origin: germline.

Illumina Laboratory Services, Illumina
Classification: Benign for Seckel syndrome 1. Last evaluated: 2018-01-12. Review status: criteria provided, single submitter. Criteria: ICSL Variant Classification Criteria 13 December 2019. Collection method: clinical testing. Allele origin: germline.
Comment: This variant was observed in the ICSL laboratory as part of a predisposition screen in an ostensibly healthy population. It had not been previously curated by ICSL or reported in the Human Gene Mutation Database (HGMD: prior to June 1st, 2018), and was therefore a candidate for classification through an automated scoring system. Utilizing variant allele frequency, disease prevalence and penetrance estimates, and inheritance mode, an automated score was calculated to assess if this variant is too frequent to cause the disease. Based on the score and internal cut-off values, a variant classified as benign is not then subjected to further curation. The score for this variant resulted in a classification of benign for this disease.

Women's Health and Genetics/Laboratory Corporation of America, LabCorp
Classification: Benign. Last evaluated: 2016-04-27. Review status: criteria provided, single submitter. Criteria: LabCorp Variant Classification Summary - May 2015. Collection method: clinical testing. Allele origin: germline.
Comment: Variant summary: The c.1326A>G variant affects a non-conserved nucleotide, resulting in a synonymous mutation. Mutation taster predicts benign outcome for this variant along with 4/5 in silico tools via Alamut predicting the variant not to have an impact on normal splicing. This variant is found in 2299/121410 control chromosomes (48 homozygotes) at a frequency of 0.0189358, which is about 30297 times of the maximal expected frequency of a pathogenic allele (0.0000006), suggesting this variant is benign. In addition, a clinical laboratory classifies this variant as benign (without evidence to independently evaluate). Taken together, this variant was classified as Benign.

GeneDx
Classification: Benign. Last evaluated: 2015-03-03. Review status: criteria provided, single submitter. Criteria: GeneDx Variant Classification Process June 2021. Collection method: clinical testing. Allele origin: germline. Affected: yes.

Genetic Services Laboratory, University of Chicago
Classification: Benign. Last evaluated: 2013-02-08. Review status: criteria provided, single submitter. Criteria: ACMG Guidelines, 2007. Collection method: clinical testing. Allele origin: germline. Inheritance: Autosomal recessive inheritance.

Breakthrough Genomics
Classification: Benign. Review status: criteria provided, single submitter. Criteria: ACMG Guidelines, 2015. Collection method: not provided. Allele origin: germline. Inheritance: Autosomal recessive inheritance. Affected: yes.